The following is an entry in ClinVar:

ClinVar aggregate classification (germline): Uncertain significance (1 of 4 stars; one submission).

Submission:

Labcorp Genetics (formerly Invitae), Labcorp
Classification: Uncertain significance. Last evaluated: 2022-03-11. Review status: criteria provided, single submitter. Criteria: Invitae Variant Classification Sherloc (09022015). Collection method: clinical testing. Allele origin: germline.
Comment: In summary, the available evidence is currently insufficient to determine the role of this variant in disease. Therefore, it has been classified as a Variant of Uncertain Significance. Experimental studies and prediction algorithms are not available or were not evaluated, and the functional significance of this variant is currently unknown. This variant has not been reported in the literature in individuals affected with CDAN1-related conditions. This variant results in a copy number gain of the genomic region encompassing exon(s) 21-28 of the CDAN1 gene. This region includes the termination codon of the gene. This copy number gain extends beyond the assayed region for this gene and therefore may encompass additional genes. As the precise location of this event is unknown, it may be in tandem or it may be located elsewhere in the genome.

NC_000015.9:g.(?_43016689)_(43020485_?)dup

Gene: CDAN1 (codanin 1; minus strand). Cytogenetic location: 15q15.2.
Variant type: Duplication.
Identifiers: ClinVar variation 2427245 (VCV002427245.4).